The following is an entry in ClinVar:

NM_001271.4(CHD2):c.2008T>A (p.Phe670Ile)

Gene: CHD2 (chromodomain helicase DNA binding protein 2; plus strand). Cytogenetic location: 15q26.1.
Variant type: single nucleotide variant.
Coding change: c.2008T>A on transcript NM_001271.4 (MANE Select); coding-DNA position 2008, T replaced by A.
Protein change: p.Phe670Ile; replaces phenylalanine 670 with isoleucine.
Molecular consequence: missense variant.
Genome position (GRCh38, 1-based): chr15:92,967,332, T>A. VCF-style: chr15-92967332-T-A. GRCh37 (hg19) VCF-style: chr15-93510562-T-A.
Other names: short protein forms F670I.
Identifiers: ClinVar variation 1693436 (VCV001693436.3), dbSNP rs2141830606, ClinGen allele CA393906992.

ClinVar aggregate classification (germline): Uncertain significance (1 of 4 stars; one submission).

Allele frequency attached by ClinVar (database versions not stated): gnomAD exomes below 0.00001.
gnomAD v4.1: 2 of 1,606,816 alleles (0.00012%); highest among the groups gnomAD compares: Non-Finnish European, 0.00017%; no homozygotes.

Submission:

GeneDx
Classification: Uncertain significance. Last evaluated: 2023-05-17. Review status: criteria provided, single submitter. Criteria: GeneDx Variant Classification Process June 2021. Collection method: clinical testing. Allele origin: germline. Affected: yes.
Comment: Not observed at significant frequency in large population cohorts (gnomAD); In silico analysis supports that this missense variant does not alter protein structure/function; Has not been previously published as pathogenic or benign to our knowledge